The following is an entry in ClinVar:

NM_001903.5(CTNNA1):c.548A>G (p.Glu183Gly)

Gene: CTNNA1 (catenin alpha 1; plus strand). Cytogenetic location: 5q31.2.
Variant type: single nucleotide variant.
Coding change: c.548A>G on transcript NM_001903.5 (MANE Select); coding-DNA position 548, A replaced by G.
Protein change: p.Glu183Gly; replaces glutamic acid 183 with glycine.
Molecular consequence: missense variant.
Genome position (GRCh38, 1-based): chr5:138,812,262, A>G. VCF-style: chr5-138812262-A-G. GRCh37 (hg19) VCF-style: chr5-138147951-A-G.
Other names: c.239A>G, p.Glu80Gly (NM_001290309.3); c.179A>G, p.Glu60Gly (NM_001290310.3); c.548A>G, p.Glu183Gly (NM_001323982.2, NM_001323983.1, NM_001323984.2 and 3 more transcripts); short protein forms E60G, E80G, E183G.
Identifiers: ClinVar variation 662217 (VCV000662217.14), dbSNP rs1581119562, ClinGen allele CA361125438.

ClinVar aggregate classification (germline): Uncertain significance. Review status: criteria provided, multiple submitters, no conflicts (2 of 4 stars). 2 submissions from 2 submitters: Uncertain significance (2). Last evaluated 2025-03-26.

Conditions:
Hereditary cancer-predisposing syndrome. Also called: Neoplastic Syndromes, Hereditary; Tumor predisposition; Hereditary neoplastic syndrome; Hereditary Cancer Syndrome. Identifiers: Orphanet 140162, MedGen C0027672, MeSH D009386, MONDO:0015356.

Submissions (2):

Ambry Genetics
Classification: Uncertain significance for Hereditary cancer-predisposing syndrome. Last evaluated: 2025-03-26. Review status: criteria provided, single submitter. Criteria: Ambry Variant Classification Scheme 2023. Collection method: clinical testing. Allele origin: germline.
Comment: The p.E183G variant (also known as c.548A>G), located in coding exon 4 of the CTNNA1 gene, results from an A to G substitution at nucleotide position 548. The glutamic acid at codon 183 is replaced by glycine, an amino acid with similar properties. This amino acid position is highly conserved in available vertebrate species. In addition, this alteration is predicted to be deleterious by in silico analysis. Based on the available evidence, the clinical significance of this variant remains unclear.

Labcorp Genetics (formerly Invitae), Labcorp
Classification: Uncertain significance. Last evaluated: 2024-04-08. Review status: criteria provided, single submitter. Criteria: Invitae Variant Classification Sherloc (09022015). Collection method: clinical testing. Allele origin: germline.
Comment: This sequence change replaces glutamic acid, which is acidic and polar, with glycine, which is neutral and non-polar, at codon 183 of the CTNNA1 protein (p.Glu183Gly). This variant is not present in population databases (gnomAD no frequency). This variant has not been reported in the literature in individuals affected with CTNNA1-related conditions. ClinVar contains an entry for this variant (Variation ID: 662217). Advanced modeling of protein sequence and biophysical properties (such as structural, functional, and spatial information, amino acid conservation, physicochemical variation, residue mobility, and thermodynamic stability) performed at Invitae indicates that this missense variant is not expected to disrupt CTNNA1 protein function with a negative predictive value of 80%. In summary, the available evidence is currently insufficient to determine the role of this variant in disease. Therefore, it has been classified as a Variant of Uncertain Significance.